The following is an entry in ClinVar:

NM_001845.6(COL4A1):c.2027G>A (p.Gly676Asp)

Gene: COL4A1 (collagen type IV alpha 1 chain; minus strand). Cytogenetic location: 13q34.
Variant type: single nucleotide variant.
Coding change: c.2027G>A on transcript NM_001845.6 (MANE Select); coding-DNA position 2027, G replaced by A.
Protein change: p.Gly676Asp; replaces glycine 676 with aspartic acid.
Molecular consequence: missense variant.
Genome position (GRCh38, 1-based): chr13:110,183,061, C>T on the plus strand (G>A on the coding strand, the complement: COL4A1 is on the minus strand). VCF-style: chr13-110183061-C-T. GRCh37 (hg19) VCF-style: chr13-110835408-C-T.
Other names: short protein forms G676D.
Identifiers: ClinVar variation 3389939 (VCV003389939.14).
Genomic context (GRCh38, chr13:110,183,061, plus strand): 5'-CCGGGGGGCCCTGGAAATCCAATGCCTGGCTGGCCCACAGCGCCCTTCTCTCCTGGCAGG[C>T]CTGGCCTTCCTGGGGTTCCGGGAAAGCCTCGGTCTCCTGTGGTGAGAAAGACCAACAGTC-3'
Protein context (NP_001836.3, residues 666-686): RGFPGTPGRP[Gly676Asp]LPGEKGAVGQ

ClinVar aggregate classification (germline): Likely pathogenic (1 of 4 stars; one submission).

Submission:

CeGaT Center for Human Genetics Tuebingen
Classification: Likely pathogenic. Last evaluated: 2024-10-01. Review status: criteria provided, single submitter. Criteria: CeGaT Center For Human Genetics Tuebingen Variant Classification Criteria Version 2. Collection method: clinical testing. Allele origin: germline. Affected: yes. Observed: 1 variant allele.
Comment: COL4A1: PM1:Strong, PM2, PS2:Moderate, PP3